The following is an entry in ClinVar:

NM_017654.4(SAMD9):c.706C>G (p.His236Asp)

Gene: SAMD9 (sterile alpha motif domain containing 9; minus strand). Cytogenetic location: 7q21.2.
Variant type: single nucleotide variant.
Coding change: c.706C>G on transcript NM_017654.4 (MANE Select); coding-DNA position 706, C replaced by G.
Protein change: p.His236Asp; replaces histidine 236 with aspartic acid.
Molecular consequence: missense variant.
Genome position (GRCh38, 1-based): chr7:93,105,392, G>C on the plus strand (C>G on the coding strand, the complement: SAMD9 is on the minus strand). VCF-style: chr7-93105392-G-C. GRCh37 (hg19) VCF-style: chr7-92734705-G-C.
Other names: c.706C>G (NM_017654.3); c.706C>G, p.His236Asp (NM_001193307.2); short protein forms H236D.
Identifiers: ClinVar variation 1975880 (VCV001975880.6), dbSNP rs1416053668, ClinGen allele CA368204124.
Genomic context (GRCh38, chr7:93,105,392, plus strand): 5'-TATCATTGGTGACTTTGATGCCAACAATTTTCCCATGGGGTTTGTCTTTGACTCCAAAAT[G>C]AATAGTGCCATTGGTACGTGAATTCATACAAGCTGAAGCAAATCGGAAAACCTCATTGCT-3'
Protein context (NP_060124.2, residues 226-246): CMNSRTNGTI[His236Asp]FGVKDKPHGK

ClinVar aggregate classification (germline): Uncertain significance. Review status: criteria provided, multiple submitters, no conflicts (2 of 4 stars). 2 submissions from 2 submitters: Uncertain significance (2). Last evaluated 2025-07-28.

Conditions:
Inborn genetic diseases. Identifiers: MedGen C0950123, MeSH D030342.

Submissions (2):

Ambry Genetics
Classification: Uncertain significance for Inborn genetic diseases. Last evaluated: 2025-07-28. Review status: criteria provided, single submitter. Criteria: Ambry Variant Classification Scheme 2023. Collection method: clinical testing. Allele origin: germline.
Comment: The p.H236D variant (also known as c.706C>G), located in coding exon 1 of the SAMD9 gene, results from a C to G substitution at nucleotide position 706. The histidine at codon 236 is replaced by aspartic acid, an amino acid with similar properties. This amino acid position is conserved. In addition, the in silico prediction for this alteration is inconclusive. Based on the available evidence, the clinical significance of this variant remains unclear.

Labcorp Genetics (formerly Invitae), Labcorp
Classification: Uncertain significance. Last evaluated: 2022-07-03. Review status: criteria provided, single submitter. Criteria: Invitae Variant Classification Sherloc (09022015). Collection method: clinical testing. Allele origin: germline.
Comment: This variant has not been reported in the literature in individuals affected with SAMD9-related conditions. In summary, the available evidence is currently insufficient to determine the role of this variant in disease. Therefore, it has been classified as a Variant of Uncertain Significance. Algorithms developed to predict the effect of missense changes on protein structure and function (SIFT, PolyPhen-2, Align-GVGD) all suggest that this variant is likely to be disruptive. This variant is present in population databases (no rsID available, gnomAD 0.003%). This sequence change replaces histidine, which is basic and polar, with aspartic acid, which is acidic and polar, at codon 236 of the SAMD9 protein (p.His236Asp).